The following is an entry in ClinVar:

NM_000057.4(BLM):c.4151A>T (p.His1384Leu)

Gene: BLM (BLM RecQ like helicase; plus strand). Cytogenetic location: 15q26.1.
Variant type: single nucleotide variant.
Coding change: c.4151A>T on transcript NM_000057.4 (MANE Select); coding-DNA position 4151, A replaced by T.
Protein change: p.His1384Leu; replaces histidine 1384 with leucine.
Molecular consequence: missense variant.
Genome position (GRCh38, 1-based): chr15:90,815,176, A>T. VCF-style: chr15-90815176-A-T. GRCh37 (hg19) VCF-style: chr15-91358406-A-T.
Other names: c.4151A>T, p.His1384Leu (NM_001287246.2); c.3758A>T, p.His1253Leu (NM_001287247.2); c.3026A>T, p.His1009Leu (NM_001287248.2); short protein forms H1253L, H1009L, H1384L.
Identifiers: ClinVar variation 2060714 (VCV002060714.1), dbSNP rs199592406, ClinGen allele CA393852354.

ClinVar aggregate classification (germline): Uncertain significance (1 of 4 stars; one submission).

Conditions:
Bloom syndrome (BLM). Also called: Bloom-Torre-Machacek syndrome. Identifiers: Orphanet 125, MedGen C0005859, MONDO:0008876, OMIM 210900.

Submission:

Labcorp Genetics (formerly Invitae), Labcorp
Classification: Uncertain significance for Bloom syndrome. Last evaluated: 2021-12-25. Review status: criteria provided, single submitter. Criteria: Invitae Variant Classification Sherloc (09022015). Collection method: clinical testing. Allele origin: germline.
Comment: This sequence change replaces histidine, which is basic and polar, with leucine, which is neutral and non-polar, at codon 1384 of the BLM protein (p.His1384Leu). This variant is not present in population databases (gnomAD no frequency). This variant has not been reported in the literature in individuals affected with BLM-related conditions. Algorithms developed to predict the effect of missense changes on protein structure and function output the following: SIFT: "Tolerated"; PolyPhen-2: "Benign"; Align-GVGD: "Class C0". The leucine amino acid residue is found in multiple mammalian species, which suggests that this missense change does not adversely affect protein function. In summary, the available evidence is currently insufficient to determine the role of this variant in disease. Therefore, it has been classified as a Variant of Uncertain Significance.